The following is an entry in ClinVar:

NM_001008537.3(NEXMIF):c.278G>T (p.Ser93Ile)

Gene: NEXMIF (neurite extension and migration factor; minus strand). Cytogenetic location: Xq13.3.
Variant type: single nucleotide variant.
Coding change: c.278G>T on transcript NM_001008537.3 (MANE Select); coding-DNA position 278, G replaced by T.
Protein change: p.Ser93Ile; replaces serine 93 with isoleucine.
Molecular consequence: missense variant.
Genome position (GRCh38, 1-based): chrX:74,744,279, C>A on the plus strand (G>T on the coding strand, the complement: NEXMIF is on the minus strand). VCF-style: chrX-74744279-C-A. GRCh37 (hg19) VCF-style: chrX-73964114-C-A.
Other names: short protein forms S93I.
Identifiers: ClinVar variation 2841442 (VCV002841442.3), dbSNP rs1339454289, ClinGen allele CA413673938.

ClinVar aggregate classification (germline): Uncertain significance (1 of 4 stars; one submission).

Allele frequency attached by ClinVar (database versions not stated): TOPMed 0.00001.

Submission:

Labcorp Genetics (formerly Invitae), Labcorp
Classification: Uncertain significance. Last evaluated: 2023-07-17. Review status: criteria provided, single submitter. Criteria: Invitae Variant Classification Sherloc (09022015). Collection method: clinical testing. Allele origin: germline.
Comment: In summary, the available evidence is currently insufficient to determine the role of this variant in disease. Therefore, it has been classified as a Variant of Uncertain Significance. An algorithm developed to predict the effect of missense changes on protein structure and function (PolyPhen-2) suggests that this variant is likely to be disruptive. This variant has not been reported in the literature in individuals affected with NEXMIF-related conditions. This variant is not present in population databases (gnomAD no frequency). This sequence change replaces serine, which is neutral and polar, with isoleucine, which is neutral and non-polar, at codon 93 of the NEXMIF protein (p.Ser93Ile).